The following is an entry in ClinVar:

NM_020822.3(KCNT1):c.557T>C (p.Ile186Thr)

Gene: KCNT1 (potassium sodium-activated channel subfamily T member 1; plus strand). Cytogenetic location: 9q34.3.
Variant type: single nucleotide variant.
Coding change: c.557T>C on transcript NM_020822.3 (MANE Select); coding-DNA position 557, T replaced by C.
Protein change: p.Ile186Thr; replaces isoleucine 186 with threonine.
Molecular consequence: missense variant.
Genome position (GRCh38, 1-based): chr9:135,756,889, T>C. VCF-style: chr9-135756889-T-C. GRCh37 (hg19) VCF-style: chr9-138648735-T-C.
Other names: c.413T>C, p.Ile138Thr (NM_001272003.2); short protein forms I138T, I186T.
Identifiers: ClinVar variation 3756287 (VCV003756287.2).
Genomic context (GRCh38, chr9:135,756,889, plus strand): 5'-AGCCCCGGCCTGCTCCAGAGCTCCTTCCCTTTCCTGACTCCCAGGTCATCGTGGCCATAA[T>C]AAGCTTCCTGGAGACGATGCTTCTCATCTACCTCAGCTACAAAGTGAGTGCCTGCCCGGG-3'
Protein context (NP_065873.2, residues 176-196): LWAIQVIVAI[Ile186Thr]SFLETMLLIY

ClinVar aggregate classification (germline): Uncertain significance (1 of 4 stars; one submission).

Conditions:
Autosomal dominant nocturnal frontal lobe epilepsy 5. Also called: KCNT1-Related Epilepsy; CILIARY DYSKINESIA, PRIMARY, 28, WITHOUT SITUS INVERSUS; CILIARY DYSKINESIA, PRIMARY, 28, WITH SITUS INVERSUS; Epilepsy, nocturnal frontal lobe, 5. Identifiers: Orphanet 98784, MedGen C3554306, MONDO:0014002, OMIM 615005.
Developmental and epileptic encephalopathy, 14 (DEE14). Also called: Early infantile epileptic encephalopathy 14. Identifiers: Orphanet 293181, MedGen C3554195, MONDO:0013989, OMIM 614959.

gnomAD v4.1: 9 of 1,613,298 alleles (0.00056%); highest among the groups gnomAD compares: Non-Finnish European, 0.00076%; no homozygotes.

Submission:

Labcorp Genetics (formerly Invitae), Labcorp
Classification: Uncertain significance for Autosomal dominant nocturnal frontal lobe epilepsy 5; Developmental and epileptic encephalopathy, 14. Last evaluated: 2024-03-27. Review status: criteria provided, single submitter. Criteria: Invitae Variant Classification Sherloc (09022015). Collection method: clinical testing. Allele origin: germline.
Comment: This sequence change replaces isoleucine, which is neutral and non-polar, with threonine, which is neutral and polar, at codon 186 of the KCNT1 protein (p.Ile186Thr). This variant is not present in population databases (gnomAD no frequency). This variant has not been reported in the literature in individuals affected with KCNT1-related conditions. Advanced modeling of protein sequence and biophysical properties (such as structural, functional, and spatial information, amino acid conservation, physicochemical variation, residue mobility, and thermodynamic stability) has been performed at Invitae for this missense variant, however the output from this modeling did not meet the statistical confidence thresholds required to predict the impact of this variant on KCNT1 protein function. In summary, the available evidence is currently insufficient to determine the role of this variant in disease. Therefore, it has been classified as a Variant of Uncertain Significance.